The following is an entry in ClinVar:

NM_016122.3(CEP83):c.1987C>A (p.Pro663Thr)

Gene: CEP83 (centrosomal protein 83; minus strand). Cytogenetic location: 12q22.
Variant type: single nucleotide variant.
Coding change: c.1987C>A on transcript NM_016122.3 (MANE Select); coding-DNA position 1987, C replaced by A.
Protein change: p.Pro663Thr; replaces proline 663 with threonine.
Molecular consequence: missense variant. On other transcripts: non-coding transcript variant (2).
Genome position (GRCh38, 1-based): chr12:94,309,932, G>T on the plus strand (C>A on the coding strand, the complement: CEP83 is on the minus strand). VCF-style: chr12-94309932-G-T. GRCh37 (hg19) VCF-style: chr12-94703708-G-T.
Other names: c.1987C>A, p.Pro663Thr (NM_001042399.2, NM_001346457.2, NM_001368037.1 and 1 more transcripts); c.1675C>A, p.Pro559Thr (NM_001346458.2, NM_001346459.2, NM_001368039.1 and 1 more transcripts); c.1762C>A, p.Pro588Thr (NM_001368041.1); short protein forms P559T, P588T, P663T.
Identifiers: ClinVar variation 1716275 (VCV001716275.5), dbSNP rs2541063904, ClinGen allele CA386046206.
Genomic context (GRCh38, chr12:94,309,932, plus strand): 5'-CAAAAATGTACGACTTTTTTTTTCCCCCTAAAATAAATGCTCATACCTGCATATGAGGAG[G>T]AAATGGTAGTTCCATGCTTGGAACCATGGCTGATGACTGAAAGCTAACAGGATTGATAGA-3'
Protein context (NP_057206.2, residues 653-673): AMVPSMELPF[Pro663Thr]PHMQEEQHQR

ClinVar aggregate classification (germline): Uncertain significance (1 of 4 stars; one submission).

Conditions:
Nephronophthisis 18 (NPHP18). Identifiers: Orphanet 655, MedGen C3890591, MONDO:0014374, OMIM 615862.

Submission:

Labcorp Genetics (formerly Invitae), Labcorp
Classification: Uncertain significance for Nephronophthisis 18. Last evaluated: 2023-11-27. Review status: criteria provided, single submitter. Criteria: Invitae Variant Classification Sherloc (09022015). Collection method: clinical testing. Allele origin: germline.
Comment: This sequence change replaces proline, which is neutral and non-polar, with threonine, which is neutral and polar, at codon 663 of the CEP83 protein (p.Pro663Thr). This variant is not present in population databases (gnomAD no frequency). This variant has not been reported in the literature in individuals affected with CEP83-related conditions. ClinVar contains an entry for this variant (Variation ID: 1716275). An algorithm developed to predict the effect of missense changes on protein structure and function (PolyPhen-2) suggests that this variant is likely to be disruptive. In summary, the available evidence is currently insufficient to determine the role of this variant in disease. Therefore, it has been classified as a Variant of Uncertain Significance.